The following is an entry in ClinVar:

NM_001184.4(ATR):c.3023C>T (p.Pro1008Leu)

Gene: ATR (ATR checkpoint kinase; minus strand). Cytogenetic location: 3q23.
Variant type: single nucleotide variant.
Coding change: c.3023C>T on transcript NM_001184.4 (MANE Select); coding-DNA position 3023, C replaced by T.
Protein change: p.Pro1008Leu; replaces proline 1008 with leucine.
Molecular consequence: missense variant.
Genome position (GRCh38, 1-based): chr3:142,549,627, G>A on the plus strand (C>T on the coding strand, the complement: ATR is on the minus strand). VCF-style: chr3-142549627-G-A. GRCh37 (hg19) VCF-style: chr3-142268469-G-A.
Other names: c.2831C>T, p.Pro944Leu (NM_001354579.2); short protein forms P1008L, P944L.
Identifiers: ClinVar variation 3221109 (VCV003221109.1), dbSNP rs1395533753, ClinGen allele CA354812506.

ClinVar aggregate classification (germline): Uncertain significance (1 of 4 stars; one submission).

Conditions:
Inborn genetic diseases. Identifiers: MedGen C0950123, MeSH D030342.

Allele frequency attached by ClinVar (database versions not stated): TOPMed below 0.00001; gnomAD 0.00001.
gnomAD v4.1: 1 of 1,613,584 alleles (0.000062%); highest among the groups gnomAD compares: Non-Finnish European, 0.000085%; no homozygotes.

Submission:

Ambry Genetics
Classification: Uncertain significance for Inborn genetic diseases. Last evaluated: 2023-12-10. Review status: criteria provided, single submitter. Criteria: Ambry Variant Classification Scheme 2023. Collection method: clinical testing. Allele origin: germline.
Comment: The p.P1008L variant (also known as c.3023C>T), located in coding exon 15 of the ATR gene, results from a C to T substitution at nucleotide position 3023. The proline at codon 1008 is replaced by leucine, an amino acid with similar properties. This amino acid position is conserved. In addition, the in silico prediction for this alteration is inconclusive. Since supporting evidence is limited at this time, the clinical significance of this alteration remains unclear.